The following is an entry in ClinVar:

ClinVar aggregate classification (germline): Uncertain significance. Review status: criteria provided, multiple submitters, no conflicts (2 of 4 stars). 3 submissions from 3 submitters: Uncertain significance (3). Last evaluated 2023-10-10.

Conditions:
Cardiovascular phenotype. Identifiers: MedGen CN230736.
Arrhythmogenic cardiomyopathy with wooly hair and keratoderma. Also called: Carvajal syndrome; Arrhythmogenic cardiomyopathy with woolly hair and keratoderma; PALMOPLANTAR KERATODERMA WITH LEFT VENTRICULAR CARDIOMYOPATHY AND WOOLLY HAIR; Dilated cardiomyopathy with woolly hair and keratoderma. Identifiers: Orphanet 65282, MedGen C1854063, MONDO:0011581, OMIM 605676.
Arrhythmogenic right ventricular dysplasia 8 (ARVD8). Also called: Arrhythmogenic Right Ventricular Dysplasia/Cardiomyopathy 8; ARRHYTHMOGENIC RIGHT VENTRICULAR DYSPLASIA, FAMILIAL, 8; ARRHYTHMOGENIC RIGHT VENTRICULAR CARDIOMYOPATHY 8. Identifiers: MedGen C1843896, MONDO:0011831, OMIM 607450.

Allele frequency attached by ClinVar (database versions not stated): gnomAD exomes below 0.00001 and 0.00001; ExAC 0.00001; ESP Exome Variant Server 0.00008.
gnomAD v4.1: 3 of 1,613,930 alleles (0.00019%); highest among the groups gnomAD compares: Non-Finnish European, 0.00025%; no homozygotes.

Submissions (3):

Ambry Genetics
Classification: Uncertain significance for Cardiovascular phenotype. Last evaluated: 2023-10-10. Review status: criteria provided, single submitter. Criteria: Ambry Variant Classification Scheme 2023. Collection method: clinical testing. Allele origin: germline.
Comment: The p.N1371S variant (also known as c.4112A>G), located in coding exon 23 of the DSP gene, results from an A to G substitution at nucleotide position 4112. The asparagine at codon 1371 is replaced by serine, an amino acid with highly similar properties. This amino acid position is conserved. In addition, this alteration is predicted to be tolerated by in silico analysis. Since supporting evidence is limited at this time, the clinical significance of this alteration remains unclear.

Labcorp Genetics (formerly Invitae), Labcorp
Classification: Uncertain significance for Arrhythmogenic cardiomyopathy with wooly hair and keratoderma; Arrhythmogenic right ventricular dysplasia 8. Last evaluated: 2023-08-16. Review status: criteria provided, single submitter. Criteria: Invitae Variant Classification Sherloc (09022015). Collection method: clinical testing. Allele origin: germline.
Comment: In summary, the available evidence is currently insufficient to determine the role of this variant in disease. Therefore, it has been classified as a Variant of Uncertain Significance. An algorithm developed to predict the effect of missense changes on protein structure and function (PolyPhen-2) suggests that this variant is likely to be disruptive. ClinVar contains an entry for this variant (Variation ID: 1321349). This variant has not been reported in the literature in individuals affected with DSP-related conditions. This variant is present in population databases (rs369649373, gnomAD 0.002%). This sequence change replaces asparagine, which is neutral and polar, with serine, which is neutral and polar, at codon 1371 of the DSP protein (p.Asn1371Ser).

Women's Health and Genetics/Laboratory Corporation of America, LabCorp
Classification: Uncertain significance. Last evaluated: 2021-10-09. Review status: criteria provided, single submitter. Criteria: LabCorp Variant Classification Summary - May 2015. Collection method: clinical testing. Allele origin: germline.

NM_004415.4(DSP):c.4112A>G (p.Asn1371Ser)

Gene: DSP (desmoplakin; plus strand). Cytogenetic location: 6p24.3.
Variant type: single nucleotide variant.
Coding change: c.4112A>G on transcript NM_004415.4 (MANE Select); coding-DNA position 4112, A replaced by G.
Protein change: p.Asn1371Ser; replaces asparagine 1371 with serine.
Molecular consequence: missense variant. On other transcripts: intron variant (2).
Genome position (GRCh38, 1-based): chr6:7,580,302, A>G. VCF-style: chr6-7580302-A-G. GRCh37 (hg19) VCF-style: chr6-7580535-A-G.
Other names: c.4112A>G (NM_004415.2); c.4050+62A>G (NM_001319034.2); c.3582+530A>G (NM_001008844.3); short protein forms N1371S.
Identifiers: ClinVar variation 1321349 (VCV001321349.10), dbSNP rs369649373, ClinGen allele CA040167.